The following is an entry in ClinVar:

ClinVar aggregate classification (germline): Pathogenic (1 of 4 stars; one submission).

Submission:

Labcorp Genetics (formerly Invitae), Labcorp
Classification: Pathogenic. Last evaluated: 2025-12-15. Review status: criteria provided, single submitter. Criteria: Invitae Variant Classification Sherloc (09022015). Collection method: clinical testing. Allele origin: germline.
Comment: This sequence change creates a premature translational stop signal (p.His419Profs*18) in the GRM6 gene. It is expected to result in an absent or disrupted protein product. Loss-of-function variants in GRM6 are known to be pathogenic (PMID: 15781871, 16622103, 22008250). This variant is not present in population databases (gnomAD no frequency). This variant has not been reported in the literature in individuals affected with GRM6-related conditions. ClinVar contains an entry for this variant (Variation ID: 1438097). For these reasons, this variant has been classified as Pathogenic.

Literature cited by the submitters: PubMed 15781871; PubMed 16622103; PubMed 22008250.

NM_000843.4(GRM6):c.1256_1257del (p.His419fs)

Genes: GRM6 (glutamate metabotropic receptor 6; minus strand), ZNF454 (zinc finger protein 454; plus strand). Cytogenetic location: 5q35.3.
Variant type: Deletion.
Coding change: c.1256_1257del on transcript NM_000843.4 (MANE Select); coding-DNA positions 1256 to 1257, 2 bases deleted (AC; older notation c.1256_1257delAC).
Protein change: p.His419fs; shifts the reading frame from histidine 419.
Molecular consequence: frameshift variant.
Genome position (GRCh38, 1-based): chr5:178,989,032-178,989,033, GT deleted on the plus strand (AC on the coding strand, the reverse complement: GRM6 is on the minus strand); deleting any 2 consecutive bases within chr5:178,989,032-178,989,034 gives the same sequence; the c. name uses the placement nearest the transcript's 3' end. VCF-style (leftmost placement, unchanged base first): chr5-178989031-GGT-G. GRCh37 (hg19) VCF-style: chr5-178416032-GGT-G.
Other names: short protein forms H419fs.
Identifiers: ClinVar variation 1438097 (VCV001438097.6), dbSNP rs2113336038, ClinGen allele CA2573139488.